The following is an entry in ClinVar:

NM_139027.6(ADAMTS13):c.3809G>T (p.Arg1270Leu)

Gene: ADAMTS13 (ADAM metallopeptidase with thrombospondin type 1 motif 13; plus strand). Cytogenetic location: 9q34.2.
Variant type: single nucleotide variant.
Coding change: c.3809G>T on transcript NM_139027.6 (MANE Select); coding-DNA position 3809, G replaced by T.
Protein change: p.Arg1270Leu; replaces arginine 1270 with leucine.
Molecular consequence: missense variant.
Genome position (GRCh38, 1-based): chr9:133,457,994, G>T. VCF-style: chr9-133457994-G-T. GRCh37 (hg19) VCF-style: chr9-136323116-G-T.
Other names: c.3977G>T, p.Arg1326Leu (NM_139025.5); c.3716G>T, p.Arg1239Leu (NM_139026.6); short protein forms R1270L, R1326L, R1239L.
Identifiers: ClinVar variation 2693769 (VCV002693769.3), dbSNP rs782693351, ClinGen allele CA375418488.

ClinVar aggregate classification (germline): Uncertain significance (1 of 4 stars; one submission).

Submission:

Labcorp Genetics (formerly Invitae), Labcorp
Classification: Uncertain significance. Last evaluated: 2023-12-02. Review status: criteria provided, single submitter. Criteria: Invitae Variant Classification Sherloc (09022015). Collection method: clinical testing. Allele origin: germline.
Comment: This sequence change replaces arginine, which is basic and polar, with leucine, which is neutral and non-polar, at codon 1326 of the ADAMTS13 protein (p.Arg1326Leu). This variant is not present in population databases (gnomAD no frequency). This variant has not been reported in the literature in individuals affected with ADAMTS13-related conditions. An algorithm developed to predict the effect of missense changes on protein structure and function (PolyPhen-2) suggests that this variant is likely to be disruptive. In summary, the available evidence is currently insufficient to determine the role of this variant in disease. Therefore, it has been classified as a Variant of Uncertain Significance.